The following is an entry in ClinVar:

NM_005546.4(ITK):c.1673C>T (p.Pro558Leu)

Gene: ITK (IL2 inducible T cell kinase; plus strand). Cytogenetic location: 5q33.3.
Variant type: single nucleotide variant.
Coding change: c.1673C>T on transcript NM_005546.4 (MANE Select); coding-DNA position 1673, C replaced by T.
Protein change: p.Pro558Leu; replaces proline 558 with leucine.
Molecular consequence: missense variant.
Genome position (GRCh38, 1-based): chr5:157,248,889, C>T. VCF-style: chr5-157248889-C-T. GRCh37 (hg19) VCF-style: chr5-156675899-C-T.
Other names: short protein forms P558L.
Identifiers: ClinVar variation 2101229 (VCV002101229.4), dbSNP rs1755075247, ClinGen allele CA361962985.

ClinVar aggregate classification (germline): Uncertain significance (1 of 4 stars; one submission).

Conditions:
Lymphoproliferative syndrome 1 (LPFS1). Identifiers: Orphanet 238505, Orphanet 538963, MedGen C3552634, MONDO:0013081, OMIM 613011.

Allele frequency attached by ClinVar (database versions not stated): gnomAD exomes below 0.00001; TOPMed below 0.00001; gnomAD 0.00001.
gnomAD v4.1: 6 of 1,613,774 alleles (0.00037%); highest among the groups gnomAD compares: Middle Eastern, 0.016%; no homozygotes.

Submission:

Labcorp Genetics (formerly Invitae), Labcorp
Classification: Uncertain significance for Lymphoproliferative syndrome 1. Last evaluated: 2023-08-04. Review status: criteria provided, single submitter. Criteria: Invitae Variant Classification Sherloc (09022015). Collection method: clinical testing. Allele origin: germline.
Comment: Advanced modeling of protein sequence and biophysical properties (such as structural, functional, and spatial information, amino acid conservation, physicochemical variation, residue mobility, and thermodynamic stability) performed at Invitae indicates that this missense variant is expected to disrupt ITK protein function. In summary, the available evidence is currently insufficient to determine the role of this variant in disease. Therefore, it has been classified as a Variant of Uncertain Significance. ClinVar contains an entry for this variant (Variation ID: 2101229). This variant has not been reported in the literature in individuals affected with ITK-related conditions. This variant is not present in population databases (gnomAD no frequency). This sequence change replaces proline, which is neutral and non-polar, with leucine, which is neutral and non-polar, at codon 558 of the ITK protein (p.Pro558Leu).